The following is an entry in ClinVar:

NM_001040108.2(MLH3):c.169A>G (p.Asn57Asp)

Gene: MLH3 (mutL homolog 3; minus strand). Cytogenetic location: 14q24.3.
Variant type: single nucleotide variant.
Coding change: c.169A>G on transcript NM_001040108.2 (MANE Select); coding-DNA position 169, A replaced by G.
Protein change: p.Asn57Asp; replaces asparagine 57 with aspartic acid.
Molecular consequence: missense variant.
Genome position (GRCh38, 1-based): chr14:75,049,487, T>C on the plus strand (A>G on the coding strand, the complement: MLH3 is on the minus strand). VCF-style: chr14-75049487-T-C. GRCh37 (hg19) VCF-style: chr14-75516190-T-C.
Other names: c.169A>G, p.Asn57Asp (NM_014381.3); short protein forms N57D.
Identifiers: ClinVar variation 2448645 (VCV002448645.2), dbSNP rs2503335398, ClinGen allele CA390451433.

ClinVar aggregate classification (germline): Uncertain significance (1 of 4 stars; one submission).

Submission:

Ambry Genetics
Classification: Uncertain significance. Last evaluated: 2023-01-06. Review status: criteria provided, single submitter. Criteria: Ambry Variant Classification Scheme 2023. Collection method: clinical testing. Allele origin: germline.
Comment: The p.N57D variant (also known as c.169A>G), located in coding exon 1 of the MLH3 gene, results from an A to G substitution at nucleotide position 169. The asparagine at codon 57 is replaced by aspartic acid, an amino acid with highly similar properties. This amino acid position is conserved. In addition, the in silico prediction for this alteration is inconclusive. Since supporting evidence is limited at this time, the clinical significance of this alteration remains unclear.